The following is an entry in ClinVar:

NM_004990.4(MARS1):c.2391+1G>C

Gene: MARS1 (methionyl-tRNA synthetase 1; plus strand). Cytogenetic location: 12q13.3.
Variant type: single nucleotide variant.
Coding change: c.2391+1G>C on transcript NM_004990.4 (MANE Select); the canonical splice donor site of the intron after coding-DNA position 2391, G replaced by C.
Molecular consequence: splice donor variant.
Genome position (GRCh38, 1-based): chr12:57,515,337, G>C. VCF-style: chr12-57515337-G-C. GRCh37 (hg19) VCF-style: chr12-57909120-G-C.
Identifiers: ClinVar variation 2935287 (VCV002935287.3), dbSNP rs1056496791, ClinGen allele CA237772789.

ClinVar aggregate classification (germline): Uncertain significance (1 of 4 stars; one submission).

Conditions:
Severe early-onset pulmonary alveolar proteinosis due to MARS deficiency. Also called: PULMONARY ALVEOLAR PROTEINOSIS, REUNION ISLAND; Interstitial lung and liver disease. Identifiers: Orphanet 440427, MedGen C4225400, MONDO:0014206, OMIM 615486.
Charcot-Marie-Tooth disease axonal type 2U. Also called: CHARCOT-MARIE-TOOTH NEUROPATHY, TYPE 2U; CHARCOT-MARIE-TOOTH DISEASE, AXONAL, AUTOSOMAL DOMINANT, TYPE 2U. Identifiers: Orphanet 397735, MedGen C4084821, MONDO:0014566, OMIM 616280.

Allele frequency attached by ClinVar (database versions not stated): gnomAD exomes below 0.00001; gnomAD 0.00001; TOPMed 0.00001.
gnomAD v4.1: 6 of 1,611,680 alleles (0.00037%); highest among the groups gnomAD compares: African/African-American, 0.0013%; no homozygotes.

Submission:

Labcorp Genetics (formerly Invitae), Labcorp
Classification: Uncertain significance for Charcot-Marie-Tooth disease axonal type 2U; Severe early-onset pulmonary alveolar proteinosis due to MARS deficiency. Last evaluated: 2022-12-25. Review status: criteria provided, single submitter. Criteria: Invitae Variant Classification Sherloc (09022015). Collection method: clinical testing. Allele origin: germline.
Comment: Algorithms developed to predict the effect of sequence changes on RNA splicing suggest that this variant may disrupt the consensus splice site. In summary, the available evidence is currently insufficient to determine the role of this variant in disease. Therefore, it has been classified as a Variant of Uncertain Significance. This variant has not been reported in the literature in individuals affected with MARS-related conditions. This variant is not present in population databases (gnomAD no frequency). This sequence change affects a donor splice site in intron 18 of the MARS gene. It is expected to disrupt RNA splicing. Variants that disrupt the donor or acceptor splice site typically lead to a loss of protein function (PMID: 16199547), however the current clinical and genetic evidence is not sufficient to establish whether loss-of-function variants in MARS cause disease.

Literature cited by the submitters: PubMed 16199547.